The following is an entry in ClinVar:

ClinVar aggregate classification (germline): Uncertain significance (1 of 4 stars; one submission).

Conditions:
Zellweger spectrum disorders (ZS). Also called: Zellweger Spectrum Disorder (ZSD); Zellweger syndrome; Zellweger Spectrum Disorder; Zellweger Spectrum. Identifiers: Orphanet 912, MedGen C0043459, MONDO:0019609.

Submission:

Labcorp Genetics (formerly Invitae), Labcorp
Classification: Uncertain significance for Zellweger spectrum disorders. Last evaluated: 2023-07-17. Review status: criteria provided, single submitter. Criteria: Invitae Variant Classification Sherloc (09022015). Collection method: clinical testing. Allele origin: germline.
Comment: In summary, the available evidence is currently insufficient to determine the role of this variant in disease. Therefore, it has been classified as a Variant of Uncertain Significance. Advanced modeling of protein sequence and biophysical properties (such as structural, functional, and spatial information, amino acid conservation, physicochemical variation, residue mobility, and thermodynamic stability) performed at Invitae indicates that this missense variant is not expected to disrupt PEX1 protein function. ClinVar contains an entry for this variant (Variation ID: 2124946). This variant has not been reported in the literature in individuals affected with PEX1-related conditions. This variant is not present in population databases (gnomAD no frequency). This sequence change replaces leucine, which is neutral and non-polar, with phenylalanine, which is neutral and non-polar, at codon 478 of the PEX1 protein (p.Leu478Phe).

NM_000466.3(PEX1):c.1432C>T (p.Leu478Phe)

Gene: PEX1 (peroxisomal biogenesis factor 1; minus strand). Cytogenetic location: 7q21.2.
Variant type: single nucleotide variant.
Coding change: c.1432C>T on transcript NM_000466.3 (MANE Select); coding-DNA position 1432, C replaced by T.
Protein change: p.Leu478Phe; replaces leucine 478 with phenylalanine.
Molecular consequence: missense variant.
Genome position (GRCh38, 1-based): chr7:92,511,631, G>A on the plus strand (C>T on the coding strand, the complement: PEX1 is on the minus strand). VCF-style: chr7-92511631-G-A. GRCh37 (hg19) VCF-style: chr7-92140945-G-A.
Other names: c.1432C>T, p.Leu478Phe (NM_001282677.2); c.808C>T, p.Leu270Phe (NM_001282678.2); short protein forms L270F, L478F.
Identifiers: ClinVar variation 2124946 (VCV002124946.4), dbSNP rs2484687554, ClinGen allele CA368190923.
Genomic context (GRCh38, chr7:92,511,631, plus strand): 5'-TGTACTCACCATCTTTAGTTTCCAGCTTAATAAATTCTTCCTCTGATATTACCAAAGGAA[G>A]CATGGTGGTAGTAGACTGCTGTAGCCATGAATAAAATACAGTTTTTATGTCTTCTTCACT-3'
Protein context (NP_000457.1, residues 468-488): SWLQQSTTTM[Leu478Phe]PLVISEEEFI